The following is an entry in ClinVar:

NM_005215.4(DCC):c.3425A>G (p.Lys1142Arg)

Gene: DCC (DCC netrin 1 receptor; plus strand). Cytogenetic location: 18q21.2.
Variant type: single nucleotide variant.
Coding change: c.3425A>G on transcript NM_005215.4 (MANE Select); coding-DNA position 3425, A replaced by G.
Protein change: p.Lys1142Arg; replaces lysine 1142 with arginine.
Molecular consequence: missense variant.
Genome position (GRCh38, 1-based): chr18:53,459,264, A>G. VCF-style: chr18-53459264-A-G. GRCh37 (hg19) VCF-style: chr18-50985634-A-G.
Other names: short protein forms K1142R.
Identifiers: ClinVar variation 3253148 (VCV003253148.2), dbSNP rs2045520939.

ClinVar aggregate classification (germline): Uncertain significance (1 of 4 stars; one submission).

Submission:

GeneDx
Classification: Uncertain significance. Last evaluated: 2024-11-15. Review status: criteria provided, single submitter. Criteria: GeneDx Variant Classification Process June 2021. Collection method: clinical testing. Allele origin: germline.
Comment: Not observed at significant frequency in large population cohorts (gnomAD); In silico analysis supports that this missense variant has a deleterious effect on protein structure/function; Has not been previously published as pathogenic or benign to our knowledge